The following is an entry in ClinVar:

ClinVar aggregate classification (germline): Pathogenic. Review status: criteria provided, multiple submitters, no conflicts (2 of 4 stars). 5 submissions from 5 submitters: Pathogenic (4). 1 of the submissions does not count toward it. Last evaluated 2025-10-16.

Conditions:
Primary ciliary dyskinesia 29. Also called: CILIARY DYSKINESIA, PRIMARY, 29, WITHOUT SITUS INVERSUS. Identifiers: Orphanet 244, MedGen C4014534, MONDO:0014378, OMIM 615872.
Primary ciliary dyskinesia. Also called: Ciliary dyskinesia. Identifiers: Orphanet 244, MedGen C0008780, MONDO:0016575, HP:0012265.

Submissions (5):

Labcorp Genetics (formerly Invitae), Labcorp
Classification: Pathogenic for Primary ciliary dyskinesia. Last evaluated: 2025-10-16. Review status: criteria provided, single submitter. Criteria: Invitae Variant Classification Sherloc (09022015). Collection method: clinical testing. Allele origin: germline.
Comment: This sequence change creates a premature translational stop signal (p.Val90Serfs*6) in the CCNO gene. It is expected to result in an absent or disrupted protein product. Loss-of-function variants in CCNO are known to be pathogenic (PMID: 24747639). This variant is present in population databases (rs587777502, gnomAD 0.007%). This premature translational stop signal has been observed in individual(s) with congenital mucociliary clearance disorder (PMID: 24747639). ClinVar contains an entry for this variant (Variation ID: 139603). For these reasons, this variant has been classified as Pathogenic.

Laboratorio de Genetica e Diagnostico Molecular, Hospital Israelita Albert Einstein
Classification: Pathogenic for Primary ciliary dyskinesia 29. Last evaluated: 2025-03-21. Review status: criteria provided, single submitter. Criteria: ACMG Guidelines, 2015. Collection method: clinical testing. Allele origin: germline. Affected: yes.
Comment: ACMG classification criteria: PVS1 very strong, PM2 supporting, PM3 strong

Neuberg Centre For Genomic Medicine, NCGM
Classification: Pathogenic for Primary ciliary dyskinesia 29. Last evaluated: 2024-02-01. Review status: criteria provided, single submitter. Criteria: ACMG Guidelines, 2015. Collection method: clinical testing. Allele origin: germline. Inheritance: Autosomal recessive inheritance. Affected: yes.
Comment: The above variant has been reported previously in individuals affected with Ciliary Dyskinesia (Wallmeier J, et al., 2014; Alhalabi, Ola, et al., 2024). This variant causes a frameshift starting with codon Valine 90, changes this amino acid to Serine residue, and creates a premature Stop codon at position 6 of the new reading frame, denoted p.Val90SerfsTer6. This variant is predicted to cause loss of normal protein function through protein truncation. Loss-of-function variants in CCNO are known to be pathogenic (Wallmeier J, et al., 2014). For these reasons, this variant has been classified as Pathogenic.

Beijing Key Laboratry for Genetics of Birth Defects, Beijing Children's Hospital
Classification: Pathogenic for Primary ciliary dyskinesia 29. Last evaluated: 2020-12-20. Review status: criteria provided, single submitter. Criteria: ACMG Guidelines, 2015. Collection method: clinical testing. Allele origin: germline. Affected: yes. Observed: 1 variant allele.

OMIM
Classification: Pathogenic for CILIARY DYSKINESIA, PRIMARY, 29. Last evaluated: 2014-06-01. Review status: no assertion criteria provided. Collection method: literature only. Allele origin: germline. Not counted in ClinVar's aggregate classification.

Literature cited by the submitters: PubMed 24747639 (cited by 3 submitters); PubMed 331765523 (cited by Beijing Key Laboratry for Genetics of Birth Defects, Beijing Children's Hospital); PubMed 31879361 (cited by Beijing Key Laboratry for Genetics of Birth Defects, Beijing Children's Hospital); PubMed 32622824 (cited by Beijing Key Laboratry for Genetics of Birth Defects, Beijing Children's Hospital); PubMed 31980526 (cited by Beijing Key Laboratry for Genetics of Birth Defects, Beijing Children's Hospital).

NM_021147.5(CCNO):c.263_267dup (p.Val90fs)

Genes: CCNO (cyclin O; minus strand), LOC129993895 (ATAC-STARR-seq lymphoblastoid silent region 16013; plus strand). Cytogenetic location: 5q11.2.
Variant type: Duplication.
Coding change: c.263_267dup on transcript NM_021147.5 (MANE Select); coding-DNA positions 263 to 267, 5 bases duplicated (AGCCC; older notation c.263_267dupAGCCC).
Protein change: p.Val90fs; shifts the reading frame from valine 90.
Molecular consequence: frameshift variant. On other transcripts: non-coding transcript variant (2).
Genome position (GRCh38, 1-based): chr5:55,233,257-55,233,261, GGGCT duplicated on the plus strand (AGCCC on the coding strand, the reverse complement: CCNO is on the minus strand); duplicating any 5 consecutive bases within chr5:55,233,257-55,233,265 gives the same sequence; the c. name uses the placement nearest the transcript's 3' end. VCF-style (leftmost placement, unchanged base first): chr5-55233256-C-CGGGCT. GRCh37 (hg19) VCF-style: chr5-54529084-C-CGGGCT.
Other names: c.263_267dup (NM_021147.4); short protein forms V90fs.
Identifiers: ClinVar variation 139603 (VCV000139603.15), dbSNP rs587777502, ClinGen allele CA163296.